The following is an entry in ClinVar:

NM_004360.5(CDH1):c.1979T>A (p.Val660Glu)

Gene: CDH1 (cadherin 1; plus strand). Cytogenetic location: 16q22.1.
Variant type: single nucleotide variant.
Coding change: c.1979T>A on transcript NM_004360.5 (MANE Select); coding-DNA position 1979, T replaced by A.
Protein change: p.Val660Glu; replaces valine 660 with glutamic acid.
Molecular consequence: missense variant.
Genome position (GRCh38, 1-based): chr16:68,823,441, T>A. VCF-style: chr16-68823441-T-A. GRCh37 (hg19) VCF-style: chr16-68857344-T-A.
Other names: c.1796T>A, p.Val599Glu (NM_001317184.2); c.431T>A, p.Val144Glu (NM_001317185.2); c.14T>A, p.Val5Glu (NM_001317186.2); c.1979T>A (LRG_301t1); short protein forms V660E, V599E, V5E, V144E.
Identifiers: ClinVar variation 481684 (VCV000481684.12), dbSNP rs1555517090, ClinGen allele CA396467592.
Genomic context (GRCh38, chr16:68,823,441, plus strand): 5'-TTTTATTGCTTTCTCCAGCCCAAGAATCTATCATTTTGAAGCCAAAGATGGCCTTAGAGG[T>A]GGGTGACTACAAAATCAATCTCAAGCTCATGGATAACCAGAATAAAGACCAAGTGACCAC-3'
Protein context (NP_004351.1, residues 650-670): IILKPKMALE[Val660Glu]GDYKINLKLM

ClinVar aggregate classification (germline): Conflicting classifications of pathogenicity. Review status: criteria provided, conflicting classifications (1 of 4 stars). 3 submissions from 3 submitters: Uncertain significance (2); Likely benign (1). Last evaluated 2026-06-22.

Conditions:
Familial cancer of breast. Also called: hereditary breast carcinoma; Hereditary breast cancer; BREAST CANCER, FAMILIAL. Identifiers: Orphanet 227535, MedGen C0346153, MONDO:0016419, OMIM 114480. Disease mechanism: loss of function.
Hereditary cancer-predisposing syndrome. Also called: Neoplastic Syndromes, Hereditary; Hereditary neoplastic syndrome; Hereditary Cancer Syndrome; Tumor predisposition. Identifiers: Orphanet 140162, MedGen C0027672, MeSH D009386, MONDO:0015356.
Hereditary diffuse gastric adenocarcinoma (HDGC). Also called: DIFFUSE GASTRIC AND LOBULAR BREAST CANCER SYNDROME. Identifiers: Orphanet 26106, MedGen C1708349, MONDO:0007648, OMIM 137215.

Submissions (3):

Ambry Genetics
Classification: Likely benign for Hereditary cancer-predisposing syndrome. Last evaluated: 2026-06-22. Review status: criteria provided, single submitter. Criteria: Ambry Variant Classification Scheme 2023. Collection method: clinical testing. Allele origin: germline.

Baylor Genetics
Classification: Uncertain significance for Familial cancer of breast. Last evaluated: 2023-10-31. Review status: criteria provided, single submitter. Criteria: ACMG Guidelines, 2015. Collection method: clinical testing. Allele origin: unknown.

Labcorp Genetics (formerly Invitae), Labcorp
Classification: Uncertain significance for Hereditary diffuse gastric adenocarcinoma. Last evaluated: 2022-01-26. Review status: criteria provided, single submitter. Criteria: Invitae Variant Classification Sherloc (09022015). Collection method: clinical testing. Allele origin: germline.
Comment: This sequence change replaces valine, which is neutral and non-polar, with glutamic acid, which is acidic and polar, at codon 660 of the CDH1 protein (p.Val660Glu). This variant is not present in population databases (gnomAD no frequency). This variant has not been reported in the literature in individuals affected with CDH1-related conditions. ClinVar contains an entry for this variant (Variation ID: 481684). Algorithms developed to predict the effect of missense changes on protein structure and function (SIFT, PolyPhen-2, Align-GVGD) all suggest that this variant is likely to be tolerated. In summary, the available evidence is currently insufficient to determine the role of this variant in disease. Therefore, it has been classified as a Variant of Uncertain Significance.